The following is an entry in ClinVar:

NM_000264.5(PTCH1):c.988T>G (p.Leu330Val)

Gene: PTCH1 (patched 1; minus strand). Cytogenetic location: 9q22.32.
Variant type: single nucleotide variant.
Coding change: c.988T>G on transcript NM_000264.5 (MANE Select); coding-DNA position 988, T replaced by G.
Protein change: p.Leu330Val; replaces leucine 330 with valine.
Molecular consequence: missense variant. On other transcripts: non-coding transcript variant (1).
Genome position (GRCh38, 1-based): chr9:95,480,048, A>C on the plus strand (T>G on the coding strand, the complement: PTCH1 is on the minus strand). VCF-style: chr9-95480048-A-C. GRCh37 (hg19) VCF-style: chr9-98242330-A-C.
Other names: c.988T>G (NM_000264.3); c.988T>G, p.Leu330Val (NM_001354918.2); c.790T>G, p.Leu264Val (NM_001083602.3); c.985T>G, p.Leu329Val (NM_001083603.3); c.535T>G, p.Leu179Val (NM_001083604.3, NM_001083605.3, NM_001083606.3 and 1 more transcripts); short protein forms L264V, L179V, L329V, L330V.
Identifiers: ClinVar variation 1041306 (VCV001041306.10), dbSNP rs1841408486, ClinGen allele CA374119732.
Genomic context (GRCh38, chr9:95,480,048, plus strand): 5'-TGTTCTTGACTGTGCCACCCACAATCAACTCCTCCTGCCAGTGCATATACTTTCTGGATA[A>C]GCCATGACATCCACCATTCAAAACAAGGGCCATATCAAGAGGCTAAAATAAAAAGACAGC-3'
Protein context (NP_000255.2, residues 320-340): ALVLNGGCHG[Leu330Val]SRKYMHWQEE

ClinVar aggregate classification (germline): Uncertain significance. Review status: criteria provided, multiple submitters, no conflicts (2 of 4 stars). 2 submissions from 2 submitters: Uncertain significance (2). Last evaluated 2025-08-03.

Conditions:
Gorlin syndrome. Also called: Nevoid Basal Cell Carcinoma Syndrome; Basal cell nevus syndrome. Identifiers: Orphanet 377, MedGen C0004779, MONDO:0007187.
Hereditary cancer-predisposing syndrome. Also called: Hereditary neoplastic syndrome; Neoplastic Syndromes, Hereditary; Tumor predisposition; Hereditary Cancer Syndrome. Identifiers: Orphanet 140162, MedGen C0027672, MeSH D009386, MONDO:0015356.

Submissions (2):

Labcorp Genetics (formerly Invitae), Labcorp
Classification: Uncertain significance for Gorlin syndrome. Last evaluated: 2025-08-03. Review status: criteria provided, single submitter. Criteria: Invitae Variant Classification Sherloc (09022015). Collection method: clinical testing. Allele origin: germline.
Comment: This sequence change replaces leucine, which is neutral and non-polar, with valine, which is neutral and non-polar, at codon 330 of the PTCH1 protein (p.Leu330Val). This variant is not present in population databases (gnomAD no frequency). This variant has not been reported in the literature in individuals affected with PTCH1-related conditions. ClinVar contains an entry for this variant (Variation ID: 1041306). Invitae Evidence Modeling of protein sequence and biophysical properties (such as structural, functional, and spatial information, amino acid conservation, physicochemical variation, residue mobility, and thermodynamic stability) indicates that this missense variant is not expected to disrupt PTCH1 protein function with a negative predictive value of 95%. In summary, the available evidence is currently insufficient to determine the role of this variant in disease. Therefore, it has been classified as a Variant of Uncertain Significance.

Ambry Genetics
Classification: Uncertain significance for Hereditary cancer-predisposing syndrome. Last evaluated: 2024-04-25. Review status: criteria provided, single submitter. Criteria: Ambry Variant Classification Scheme 2023. Collection method: clinical testing. Allele origin: germline.
Comment: The p.L330V variant (also known as c.988T>G), located in coding exon 7 of the PTCH1 gene, results from a T to G substitution at nucleotide position 988. The leucine at codon 330 is replaced by valine, an amino acid with highly similar properties. This amino acid position is highly conserved in available vertebrate species. In addition, the in silico prediction for this alteration is inconclusive. Based on the available evidence, the clinical significance of this variant remains unclear.